The following is an entry in ClinVar:

ClinVar aggregate classification (germline): Uncertain significance (1 of 4 stars; one submission).

Conditions:
Cardiovascular phenotype. Identifiers: MedGen CN230736.

Submission:

Ambry Genetics
Classification: Uncertain significance for Cardiovascular phenotype. Last evaluated: 2020-03-10. Review status: criteria provided, single submitter. Criteria: Ambry Variant Classification Scheme 2023. Collection method: clinical testing. Allele origin: germline.
Comment: The p.P43A variant (also known as c.127C>G), located in coding exon 1 of the TNXB gene, results from a C to G substitution at nucleotide position 127. The proline at codon 43 is replaced by alanine, an amino acid with highly similar properties. This amino acid position is well conserved in available vertebrate species; however, alanine is the reference amino acid in other vertebrate species. In addition, the in silico prediction for this alteration is inconclusive. Since supporting evidence is limited at this time, the clinical significance of this alteration remains unclear.

NM_001365276.2(TNXB):c.127C>G (p.Pro43Ala)

Gene: TNXB (tenascin XB; minus strand). Cytogenetic location: 6p21.33.
Variant type: single nucleotide variant.
Coding change: c.127C>G on transcript NM_001365276.2 (MANE Select); coding-DNA position 127, C replaced by G.
Protein change: p.Pro43Ala; replaces proline 43 with alanine.
Molecular consequence: missense variant.
Genome position (GRCh38, 1-based): chr6:32,098,072, G>C on the plus strand (C>G on the coding strand, the complement: TNXB is on the minus strand). VCF-style: chr6-32098072-G-C. GRCh37 (hg19) VCF-style: chr6-32065849-G-C.
Other names: c.127C>G, p.Pro43Ala (NM_019105.8); short protein forms P43A.
Identifiers: ClinVar variation 1767501 (VCV001767501.2), dbSNP rs2483772846, ClinGen allele CA363493026.